The following is an entry in ClinVar:

NM_013296.5(GPSM2):c.238A>G (p.Lys80Glu)

Gene: GPSM2 (G protein signaling modulator 2; plus strand). Cytogenetic location: 1p13.3.
Variant type: single nucleotide variant.
Coding change: c.238A>G on transcript NM_013296.5 (MANE Select); coding-DNA position 238, A replaced by G.
Protein change: p.Lys80Glu; replaces lysine 80 with glutamic acid.
Molecular consequence: missense variant.
Genome position (GRCh38, 1-based): chr1:108,897,045, A>G. VCF-style: chr1-108897045-A-G. GRCh37 (hg19) VCF-style: chr1-109439667-A-G.
Other names: c.238A>G, p.Lys80Glu (NM_001321038.2, NM_001321039.3); short protein forms K80E.
Identifiers: ClinVar variation 2499928 (VCV002499928.1), dbSNP rs1648421228, ClinGen allele CA341456575.

ClinVar aggregate classification (germline): Uncertain significance (1 of 4 stars; one submission).

Allele frequency attached by ClinVar (database versions not stated): TOPMed below 0.00001.

Submission:

GeneDx
Classification: Uncertain significance. Last evaluated: 2022-10-24. Review status: criteria provided, single submitter. Criteria: GeneDx Variant Classification Process June 2021. Collection method: clinical testing. Allele origin: germline. Affected: yes.
Comment: Not observed at significant frequency in large population cohorts (gnomAD); In silico analysis supports that this missense variant has a deleterious effect on protein structure/function; Has not been previously published as pathogenic or benign to our knowledge